The following is an entry in ClinVar:

NM_000053.4(ATP7B):c.3058A>T (p.Lys1020Ter)

Gene: ATP7B (ATPase copper transporting beta; minus strand). Cytogenetic location: 13q14.3.
Variant type: single nucleotide variant.
Coding change: c.3058A>T on transcript NM_000053.4 (MANE Select); coding-DNA position 3058, A replaced by T.
Protein change: p.Lys1020Ter; replaces lysine 1020 with a stop codon.
Molecular consequence: nonsense. On other transcripts: intron variant (6).
Genome position (GRCh38, 1-based): chr13:51,946,286, T>A on the plus strand (A>T on the coding strand, the complement: ATP7B is on the minus strand). VCF-style: chr13-51946286-T-A. GRCh37 (hg19) VCF-style: chr13-52520422-T-A.
Other names: c.2881A>T, p.Lys961Ter (NM_001406524.1); c.3058A>T, p.Lys1020Ter (NM_001406526.1, NM_001406511.1, NM_001406512.1 and 2 more transcripts); c.2824A>T, p.Lys942Ter (NM_001406527.1, NM_001406528.1, NM_001406538.1 and 1 more transcripts); c.2818A>T, p.Lys940Ter (NM_001406530.1); c.2806A>T, p.Lys936Ter (NM_001406531.1, NM_001406532.1, NM_001330579.2); c.2770A>T, p.Lys924Ter (NM_001406534.1); c.2728A>T, p.Lys910Ter (NM_001406536.1); c.2437A>T, p.Lys813Ter (NM_001005918.3); and 18 more; short protein forms K1020*, K813*, K972*, K1002*, K1009*, K858*, K909*, K910*.
Identifiers: ClinVar variation 2696251 (VCV002696251.3), dbSNP rs2547644949, ClinGen allele CA388031711.

ClinVar aggregate classification (germline): Pathogenic (1 of 4 stars; one submission).

Conditions:
Wilson disease (WND). Also called: Wilson's disease. Identifiers: Orphanet 905, MedGen C0019202, MONDO:0010200, OMIM 277900. Disease mechanism: loss of function.

Submission:

Labcorp Genetics (formerly Invitae), Labcorp
Classification: Pathogenic for Wilson disease. Last evaluated: 2024-01-31. Review status: criteria provided, single submitter. Criteria: Invitae Variant Classification Sherloc (09022015). Collection method: clinical testing. Allele origin: germline.
Comment: This sequence change creates a premature translational stop signal (p.Lys1020*) in the ATP7B gene. It is expected to result in an absent or disrupted protein product. Loss-of-function variants in ATP7B are known to be pathogenic (PMID: 10441329, 16283883). This variant is not present in population databases (gnomAD no frequency). This variant has not been reported in the literature in individuals affected with ATP7B-related conditions. Algorithms developed to predict the effect of sequence changes on RNA splicing suggest that this variant may disrupt the consensus splice site. For these reasons, this variant has been classified as Pathogenic.

Literature cited by the submitters: PubMed 10441329; PubMed 16283883.